The following is an entry in ClinVar:

NM_001353921.2(ARHGEF9):c.52G>A (p.Val18Ile)

Gene: ARHGEF9 (Cdc42 guanine nucleotide exchange factor 9; minus strand). Cytogenetic location: Xq11.1.
Variant type: single nucleotide variant.
Coding change: c.52G>A on transcript NM_001353921.2 (MANE Select); coding-DNA position 52, G replaced by A.
Protein change: p.Val18Ile; replaces valine 18 with isoleucine.
Molecular consequence: missense variant. On other transcripts: 5 prime UTR variant (13), intron variant (6).
Genome position (GRCh38, 1-based): chrX:63,724,690, C>T on the plus strand (G>A on the coding strand, the complement: ARHGEF9 is on the minus strand). VCF-style: chrX-63724690-C-T. GRCh37 (hg19) VCF-style: chrX-62944570-C-T.
Other names: c.-33G>A (NM_001330495.2, NM_001353927.2, NM_001369033.1 and 8 more transcripts); c.52G>A, p.Val18Ile (NM_001353922.2); c.70G>A, p.Val24Ile (NM_001353923.1); c.31G>A, p.Val11Ile (NM_001353928.2, NM_001369030.1, NM_001369031.1 and 2 more transcripts); c.-412G>A (NM_001369042.1); c.-652G>A (NM_001369045.1); c.31-18241G>A (NM_001173479.2); c.10-18241G>A (NM_001369040.1, NM_001369039.1, NM_001353926.2 and 1 more transcripts); and 1 more; short protein forms V11I, V18I, V24I.
Identifiers: ClinVar variation 1060865 (VCV001060865.9), dbSNP rs1556415925, ClinGen allele CA413404530.

ClinVar aggregate classification (germline): Uncertain significance (1 of 4 stars; one submission).

Conditions:
Developmental and epileptic encephalopathy, 8 (DEE8). Also called: HYPEREKPLEXIA AND EPILEPSY. Identifiers: Orphanet 163985, Orphanet 2076, MedGen C1845102, MONDO:0010375, OMIM 300607.

Allele frequency attached by ClinVar (database versions not stated): TOPMed below 0.00001; gnomAD exomes 0.00001.
gnomAD v4.1: 7 of 1,211,503 alleles (0.00058%); highest among the groups gnomAD compares: African/African-American, 0.0035%; no homozygotes.

Submission:

Labcorp Genetics (formerly Invitae), Labcorp
Classification: Uncertain significance for Developmental and epileptic encephalopathy, 8. Last evaluated: 2021-02-14. Review status: criteria provided, single submitter. Criteria: Invitae Variant Classification Sherloc (09022015). Collection method: clinical testing. Allele origin: germline.
Comment: In summary, the available evidence is currently insufficient to determine the role of this variant in disease. Therefore, it has been classified as a Variant of Uncertain Significance. Algorithms developed to predict the effect of missense changes on protein structure and function are either unavailable or do not agree on the potential impact of this missense change (SIFT: "Deleterious"; PolyPhen-2: "Benign"; Align-GVGD: "Class C0"). This variant has not been reported in the literature in individuals with ARHGEF9-related conditions. This variant is not present in population databases (ExAC no frequency). This sequence change replaces valine with isoleucine at codon 11 of the ARHGEF9 protein (p.Val11Ile). The valine residue is moderately conserved and there is a small physicochemical difference between valine and isoleucine.